The following is an entry in ClinVar:

NM_000545.8(HNF1A):c.1748G>A (p.Arg583Gln)

Gene: HNF1A (HNF1 homeobox A; plus strand). Cytogenetic location: 12q24.31.
Variant type: single nucleotide variant.
Coding change: c.1748G>A on transcript NM_000545.8 (MANE Select); coding-DNA position 1748, G replaced by A.
Protein change: p.Arg583Gln; replaces arginine 583 with glutamine.
Molecular consequence: missense variant.
Genome position (GRCh38, 1-based): chr12:120,999,607, G>A. VCF-style: chr12-120999607-G-A. GRCh37 (hg19) VCF-style: chr12-121437410-G-A.
Other names: NM_000545.8(HNF1A):c.1748G>A; c.1769G>A, p.Arg590Gln (NM_001306179.2); short protein forms R583Q, R590Q.
Identifiers: ClinVar variation 14940 (VCV000014940.66), dbSNP rs137853242, ClinGen allele CA214668.

ClinVar aggregate classification (germline): Benign. Review status: reviewed by expert panel (3 of 4 stars). 14 submissions from 14 submitters: Benign (1). 13 of the submissions do not count toward it. Last evaluated 2026-07-24.

Conditions:
HNF1A-related disorder. Also called: HNF1A-related condition.
Monogenic diabetes. Identifiers: Orphanet 183625, MedGen C3888631, MONDO:0015967.
Diabetes mellitus type 1 (T1D). Also called: Type I diabetes mellitus; Diabetes Mellitus, Juvenile-Onset. Identifiers: MedGen C0011854, MONDO:0005147, OMIM 222100, HP:0100651.
Type 2 diabetes mellitus. Also called: Type II diabetes mellitus. Identifiers: MedGen C0011860, MeSH D003924, MONDO:0005148, OMIM 125853, HP:0005978.
Maturity-onset diabetes of the young type 3. Also called: MODY type 3; MODY, type III. Identifiers: Orphanet 552, MedGen C1838100, MeSH C563933, MONDO:0010894, OMIM 600496. Disease mechanism: loss of function.
Type 1 diabetes mellitus 20 (T1D20). Also called: Diabetes mellitus, insulin-dependent, 20. Identifiers: MedGen C2675866, MONDO:0012919, OMIM 612520.
Maturity-onset diabetes of the young (MODY). Also called: Maturity onset diabetes mellitus in young. Identifiers: Orphanet 552, MedGen C0342276, MONDO:0018911, HP:0004904.

Allele frequency attached by ClinVar (database versions not stated): ExAC 0.00050; gnomAD 0.00050 and 0.00060; 1000 Genomes Project 0.00060; TOPMed 0.00067; 1000 Genomes Project 30x 0.00031; gnomAD exomes 0.00048.
gnomAD v4.1: 1,380 of 1,611,350 alleles (0.086%); highest among the groups gnomAD compares: Non-Finnish European, 0.11%; 2 homozygotes.

Submissions 1 to 7 of 14:

ClinGen Monogenic Diabetes Variant Curation Expert Panel
Classification: Benign for Monogenic diabetes. Last evaluated: 2026-07-24. Review status: reviewed by expert panel. Criteria: ClinGen Diabetes ACMG Specifications HNF1A V3.1.0. Collection method: curation. Allele origin: germline. Inheritance: Autosomal dominant inheritance.
Comment: The c.1748G>A variant in the HNF1 homeobox A gene, HNF1A, causes an amino acid change of arginine to glutamine at codon 583 (p.(Arg583Gln)) of NM_000545.8. This variant has a Grpmax Filtering allele frequency in gnomAD v4.1.0 of 0.00104042, which is greater than the MDEP threshold for BA1 (0.0001) (BA1). This variant has a REVEL score of 0.552, which is between the ClinGen MDEP thresholds for BP4 and PP3, predicting neither a damaging nor benign impact on HNF1A function. Functional studies of this variant are ambiguous with transactivation activity ranging from 63-89% of WT and nuclear localization of 51.5-78% of WT, therefore neither BS3 nor PS3 will be applied (PMID: 27899486, 32910913). In summary, c.1748G>A meets the criteria to be classified as benign for monogenic diabetes. ACMG/AMP criteria applied, as specified by the ClinGen MDEP (specification version 3.1, approved10/10/2025): BA1.

Labcorp Genetics (formerly Invitae), Labcorp
Classification: Likely benign. Last evaluated: 2025-12-21. Review status: criteria provided, single submitter. Criteria: Invitae Variant Classification Sherloc (09022015). Collection method: clinical testing. Allele origin: germline. Not counted in ClinVar's aggregate classification.

Dasa
Classification: Benign. Last evaluated: 2025-11-05. Review status: criteria provided, single submitter. Criteria: DASA Assertion Criteria. Collection method: clinical testing. Allele origin: germline. Not counted in ClinVar's aggregate classification.
Comment: NM_000545.8(HNF1A):c.1748G>A (p.Arg583Gln) is a missense variant that results in the substitution of arginine with glutamine. Population frequency is inconsistent with a disease-causing role for this variant, and observations in unaffected individuals support a benign interpretation. Therefore, based on the currently available evidence, this variant is classified as benign.

Women's Health and Genetics/Laboratory Corporation of America, LabCorp
Classification: Likely benign. Last evaluated: 2024-09-04. Review status: criteria provided, single submitter. Criteria: LabCorp Variant Classification Summary - May 2015. Collection method: clinical testing. Allele origin: germline. Not counted in ClinVar's aggregate classification.
Comment: Variant summary: HNF1A c.1748G>A (p.Arg583Gln) results in a conservative amino acid change located in the Hepatocyte nuclear factor 1, beta isoform, C-terminal domain (IPR006817) of the encoded protein sequence. Four of five in-silico tools predict a benign effect of the variant on protein function. The variant allele was found at a frequency of 0.00048 in 240352 control chromosomes, predominantly at a frequency of 0.00094 within the Non-Finnish European subpopulation in the gnomAD database. The observed variant frequency within Non-Finnish European control individuals in the gnomAD database is approximately 40 fold of the estimated maximal expected allele frequency for a pathogenic variant in HNF1A causing Maturity Onset Diabetes Of The Young 3 phenotype (2.5e-05). c.1748G>A has been reported in the literature in individuals affected with adult onset NIDDM and did not segregate with disease in one family with early onset diabetes (example, Bluteau_2002, Owen_2003, Urhammer_1997, Najmi_2017). These report(s) do not provide unequivocal conclusions about association of the variant with Maturity Onset Diabetes Of The Young 3. At least one publication reports experimental evidence evaluating an impact on protein function. The most pronounced variant effect results in >50%-90% of normal transcriptional activity and nuclear localization. The following publications have been ascertained in the context of this evaluation (PMID: 11942313, 9313764, 10333057, 12832318, 12355088, 16917892, 12359128, 9112026, 20393147, 24097065, 27899486). ClinVar contains an entry for this variant (Variation ID: 14940). Based on the evidence outlined above, the variant was classified as likely benign.

Athena Diagnostics
Classification: Likely benign. Last evaluated: 2024-04-17. Review status: criteria provided, single submitter. Criteria: Athena Diagnostics Criteria. Collection method: clinical testing. Allele origin: unknown. Not counted in ClinVar's aggregate classification.

ARUP Laboratories, Molecular Genetics and Genomics, ARUP Laboratories
Classification: Uncertain significance. Last evaluated: 2023-11-22. Review status: criteria provided, single submitter. Criteria: ARUP Molecular Germline Variant Investigation Process 2024. Collection method: clinical testing. Allele origin: germline. Not counted in ClinVar's aggregate classification.
Comment: The HNF1A c.1748G>A; p.Arg583Gln variant (rs137853242) is reported in families with MODY (Bellanne-Chantelot 2008, Ellard 2006), but is also reported in individuals unaffected with diabetes from the Framingham Heart Study (Flannick 2013). Functional studies showed only a mild effect on transcriptional activity and nuclear localization, suggesting this variant may be benign (Najmi 2017). This variant is reported with conflicting interpretations of pathogenicity in ClinVar (Variation ID: 14940). It is observed in the general population with an overall allele frequency of 0.05% (125/271728 alleles) in the Genome Aggregation Database. The arginine at codon 583 is highly conserved, but computational analyses are uncertain whether this variant is neutral or deleterious (REVEL: 0.552). Due to conflicting evidence, the clinical significance of this variant is uncertain at this time. References: Bellanne-Chantelot C et al. The type and the position of HNF1A mutation modulate age at diagnosis of diabetes in patients with maturity-onset diabetes of the young (MODY)-3. Diabetes. 2008 Feb;57(2):503-8. PMID: 18003757. Ellard S et al. Mutations in the genes encoding the transcription factors hepatocyte nuclear factor 1 alpha (HNF1A) and 4 alpha (HNF4A) in maturity-onset diabetes of the young. Hum Mutat. 2006 Sep;27(9):854-69. PMID: 16917892. Flannick J et al. Assessing the phenotypic effects in the general population of rare variants in genes for a dominant Mendelian form of diabetes. Nat Genet. 2013 Nov;45(11):1380-5. PMID: 24097065. Najmi LA et al. Functional Investigations of HNF1A Identify Rare Variants as Risk Factors for Type 2 Diabetes in the General Population. Diabetes. 2017 Feb;66(2):335-346. PMID: 27899486.

National Newborn Screening Laboratory, Hospital Nacional de Niños
Classification: Likely pathogenic for Maturity-onset diabetes of the young type 3. Last evaluated: 2022-05-13. Review status: criteria provided, single submitter. Criteria: ACMG Guidelines, 2015. Collection method: research. Allele origin: germline. Inheritance: Autosomal dominant inheritance. Affected: yes. Observed: 4 variant alleles, 4 heterozygotes. Not counted in ClinVar's aggregate classification.
Comment: 85% of missense variants in HNF1A are pathogenic Also, 7 pathogenic predictions vs 4 bening predictions It was observed in patients with hyperglycemia . Reported in literature with reduced transcripcional activity